The following is an entry in ClinVar:

NM_001267550.2(TTN):c.29798C>T (p.Ser9933Leu)

Gene: TTN (titin; minus strand). Cytogenetic location: 2q31.2.
Variant type: single nucleotide variant.
Coding change: c.29798C>T on transcript NM_001267550.2 (MANE Select); coding-DNA position 29798, C replaced by T.
Protein change: p.Ser9933Leu; replaces serine 9933 with leucine.
Molecular consequence: missense variant. On other transcripts: intron variant (3).
Genome position (GRCh38, 1-based): chr2:178,704,674, G>A on the plus strand (C>T on the coding strand, the complement: TTN is on the minus strand). VCF-style: chr2-178704674-G-A. GRCh37 (hg19) VCF-style: chr2-179569401-G-A.
Other names: c.28847C>T, p.Ser9616Leu (NM_001256850.1); c.26066C>T, p.Ser8689Leu (NM_133378.4); c.13282+33408C>T (NM_003319.4); c.13858+33408C>T (NM_133437.4); c.13657+33408C>T (NM_133432.3); short protein forms S8689L, S9616L, S9933L.
Identifiers: ClinVar variation 2437833 (VCV002437833.4), dbSNP rs764352461, ClinGen allele CA1999304.

ClinVar aggregate classification (germline): Uncertain significance. Review status: criteria provided, multiple submitters, no conflicts (2 of 4 stars). 2 submissions from 2 submitters: Uncertain significance (2). Last evaluated 2026-05-22.

Conditions:
TTN-related disorder. Also called: TTN-related condition; TTN-related disease; TTN-related disorders.

Allele frequency attached by ClinVar (database versions not stated): gnomAD exomes 0.00001; ExAC 0.00002; gnomAD 0.00004; TOPMed 0.00005.
gnomAD v4.1: 19 of 1,611,672 alleles (0.0012%); highest among the groups gnomAD compares: African/African-American, 0.012%; no homozygotes.

Submissions (2):

PreventionGenetics, part of Exact Sciences
Classification: Uncertain significance for TTN-related condition. Last evaluated: 2026-05-22. Review status: criteria provided, single submitter. Criteria: ACMG Guidelines, 2015. Collection method: clinical testing. Allele origin: germline.
Comment: The TTN c.29798C>T variant is predicted to result in the amino acid substitution p.Ser9933Leu. To our knowledge, this variant has not been reported in the literature. This variant is reported in 0.0042% of alleles in individuals of African descent in gnomAD. At this time, the clinical significance of this variant is uncertain due to the absence of conclusive functional and genetic evidence.

Revvity Omics, Revvity
Classification: Uncertain significance. Last evaluated: 2019-09-19. Review status: criteria provided, single submitter. Criteria: ACMG Guidelines, 2015. Collection method: clinical testing. Allele origin: germline.